The following is an entry in ClinVar:

ClinVar aggregate classification (germline): Conflicting classifications of pathogenicity. Review status: criteria provided, conflicting classifications (1 of 4 stars). 9 submissions from 9 submitters: Uncertain significance (7); Likely benign (1). 1 of the submissions does not count toward it. Last evaluated 2025-12-29.

Conditions:
Hereditary breast ovarian cancer syndrome. Also called: Breast and ovarian cancer; Hereditary breast and ovarian cancer; Hereditary breast and ovarian cancer syndrome; BRCA1- and BRCA2-Associated Hereditary Breast and Ovarian Cancer; Hereditary breast and ovarian cancer syndrome (HBOC); Hereditary breast and/or ovarian cancer syndrome. Identifiers: Orphanet 145, MedGen C0677776, MeSH D061325, MONDO:0003582. Disease mechanism: loss of function.
Breast-ovarian cancer, familial, susceptibility to, 2 (BROVCA2). Also called: BRCA2 Hereditary Breast and Ovarian Cancer. Identifiers: Orphanet 145, MedGen C2675520, MONDO:0012933, OMIM 612555. Disease mechanism: loss of function.
Hereditary cancer-predisposing syndrome. Also called: Tumor predisposition; Hereditary Cancer Syndrome; Neoplastic Syndromes, Hereditary; Hereditary neoplastic syndrome. Identifiers: Orphanet 140162, MedGen C0027672, MeSH D009386, MONDO:0015356.
Familial cancer of breast. Also called: BREAST CANCER, FAMILIAL; hereditary breast carcinoma; Hereditary breast cancer. Identifiers: Orphanet 227535, MedGen C0346153, MONDO:0016419, OMIM 114480. Disease mechanism: loss of function.

Allele frequency attached by ClinVar (database versions not stated): TOPMed below 0.00001; gnomAD exomes 0.00001 and 0.00002; ExAC 0.00002; ESP Exome Variant Server 0.00008.
gnomAD v4.1: 5 of 1,614,038 alleles (0.00031%); highest among the groups gnomAD compares: Non-Finnish European, 0.00042%; no homozygotes.

Submissions (9):

Center for Genomic Medicine, Rigshospitalet, Copenhagen University Hospital
Classification: Uncertain significance. Last evaluated: 2025-12-29. Review status: criteria provided, single submitter. Criteria: ACMG Guidelines, 2015. Collection method: clinical testing. Allele origin: germline.

Labcorp Genetics (formerly Invitae), Labcorp
Classification: Uncertain significance for Hereditary breast ovarian cancer syndrome. Last evaluated: 2025-07-15. Review status: criteria provided, single submitter. Criteria: Invitae Variant Classification Sherloc (09022015). Collection method: clinical testing. Allele origin: germline.
Comment: This sequence change replaces glutamine, which is neutral and polar, with arginine, which is basic and polar, at codon 2539 of the BRCA2 protein (p.Gln2539Arg). This variant is present in population databases (rs144728108, gnomAD 0.004%). This missense change has been observed in individual(s) with colorectal cancer and ovarian cancer (PMID: 18559594, 28135145). This variant is also known as c.7844A>G. ClinVar contains an entry for this variant (Variation ID: 91485). An algorithm developed to predict the effect of missense changes on protein structure and function outputs the following: PolyPhen-2: "Benign". The arginine amino acid residue is found in multiple mammalian species, which suggests that this missense change does not adversely affect protein function. In summary, the available evidence is currently insufficient to determine the role of this variant in disease. Therefore, it has been classified as a Variant of Uncertain Significance.

Women's Health and Genetics/Laboratory Corporation of America, LabCorp
Classification: Uncertain significance. Last evaluated: 2025-05-15. Review status: criteria provided, single submitter. Criteria: LabCorp Variant Classification Summary - May 2015. Collection method: clinical testing. Allele origin: germline.
Comment: Variant summary: BRCA2 c.7616A>G (p.Gln2539Arg), also reported using c.7844A>G nomenclature, results in a conservative amino acid change in the encoded protein sequence. Algorithms developed to predict the effect of missense changes on protein structure and function are either unavailable or do not agree on the potential impact of this missense change. Several computational tools predict a significant impact on normal splicing: Three predict the variant weakens a 5' donor site. Three predict the variant abolishes a cryptic 3' acceptor site. One predicts the variant no significant impact on splicing. However, these predictions have yet to be confirmed by functional studies. The variant allele was found at a frequency of 1.6e-05 in 250564 control chromosomes. The available data on variant occurrences in the general population are insufficient to allow any conclusion about variant significance. c.7616A>G has been observed in the presumed heterozygous state in at least 2 individual(s) affected with either ovarian or colorectal cancer (example, Soegaard_2008, Yurgelun_2017). These report(s) do not provide unequivocal conclusions about association of the variant with Hereditary Breast And Ovarian Cancer Syndrome. To our knowledge, no experimental evidence demonstrating an impact on protein function has been reported. The following publications have been ascertained in the context of this evaluation (PMID: 18559594, 28135145). ClinVar contains an entry for this variant (Variation ID: 91485). Based on the evidence outlined above, the variant was classified as uncertain significance.

Ambry Genetics
Classification: Likely benign for Hereditary cancer-predisposing syndrome. Last evaluated: 2025-04-29. Review status: criteria provided, single submitter. Criteria: Ambry Variant Classification Scheme 2023. Collection method: clinical testing. Allele origin: germline.

All of Us Research Program, National Institutes of Health
Classification: Uncertain significance for Breast-ovarian cancer, familial, susceptibility to, 2. Last evaluated: 2023-11-20. Review status: criteria provided, single submitter. Criteria: ACMG Guidelines, 2015. Collection method: clinical testing. Allele origin: germline. Inheritance: Autosomal dominant inheritance. Observed: 1 variant allele, 1 heterozygote.
Comment: This missense variant replaces glutamine with arginine at codon 2539 of the BRCA2 protein. Computational prediction is inconclusive regarding the impact of this variant on protein structure and function (internally defined REVEL score threshold 0.5 < inconclusive < 0.7, PMID: 27666373). To our knowledge, functional studies have not been reported for this variant. This variant has been reported in one individual each affected with ovarian and colorectal cancer (PMID: 18559594, 28135145) and in a breast cancer case-control meta-analysis in 2/60464 cases and 8/53453 unaffected individuals with an OR=0.221 (95%CI 0.047 to 1.041) (PMID: 33471991; Leiden Open Variation Database DB-ID BRCA2_001227). This variant has been identified in 4/250564 chromosomes in the general population by the Genome Aggregation Database (gnomAD). The available evidence is insufficient to determine the role of this variant in disease conclusively. Therefore, this variant is classified as a Variant of Uncertain Significance.

This study involves interpretation of variants in research participants for the purpose of population health screening. Participant phenotype was not available at the time of variant classification. Additional details can be found in publication PMID: 35346344, PMCID: PMC8962531

Color Diagnostics, LLC DBA Color Health
Classification: Uncertain significance for Hereditary cancer-predisposing syndrome. Last evaluated: 2023-10-25. Review status: criteria provided, single submitter. Criteria: ACMG Guidelines, 2015. Collection method: clinical testing. Allele origin: germline.
Comment: This missense variant replaces glutamine with arginine at codon 2539 of the BRCA2 protein. Computational prediction is inconclusive regarding the impact of this variant on protein structure and function (internally defined REVEL score threshold 0.5 < inconclusive < 0.7, PMID: 27666373). To our knowledge, functional studies have not been reported for this variant. This variant has been reported in one individual each affected with ovarian and colorectal cancer (PMID: 18559594, 28135145) and in a breast cancer case-control meta-analysis in 2/60464 cases and 8/53453 unaffected individuals with an OR=0.221 (95%CI 0.047 to 1.041) (PMID: 33471991; Leiden Open Variation Database DB-ID BRCA2_001227). This variant has been identified in 4/250564 chromosomes in the general population by the Genome Aggregation Database (gnomAD). The available evidence is insufficient to determine the role of this variant in disease conclusively. Therefore, this variant is classified as a Variant of Uncertain Significance.

Clinical Genetics Laboratory, Skane University Hospital Lund
Classification: Uncertain significance. Last evaluated: 2023-06-19. Review status: criteria provided, single submitter. Criteria: ACMG Guidelines, 2015. Collection method: clinical testing. Allele origin: germline. Affected: yes.

Department of Pathology and Laboratory Medicine, Sinai Health System
Classification: Uncertain significance for Familial cancer of breast; Breast-ovarian cancer, familial, susceptibility to, 2. Last evaluated: 2023-01-10. Review status: criteria provided, single submitter. Criteria: ACMG Guidelines, 2015. Collection method: clinical testing. Allele origin: germline. Affected: yes.

Sharing Clinical Reports Project (SCRP)
Classification: Uncertain significance for Breast-ovarian cancer, familial 2. Last evaluated: 2011-10-31. Review status: no assertion criteria provided. Collection method: clinical testing. Allele origin: germline. Not counted in ClinVar's aggregate classification.

Literature cited by the submitters: PubMed 18559594 (cited by 6 submitters); PubMed 28135145 (cited by 5 submitters); PubMed 33471991 (cited by 3 submitters).

NM_000059.4(BRCA2):c.7616A>G (p.Gln2539Arg)

Gene: BRCA2 (BRCA2 DNA repair associated; plus strand). Cytogenetic location: 13q13.1.
Variant type: single nucleotide variant.
Coding change: c.7616A>G on transcript NM_000059.4 (MANE Select); coding-DNA position 7616, A replaced by G.
Protein change: p.Gln2539Arg; replaces glutamine 2539 with arginine.
Molecular consequence: missense variant.
Genome position (GRCh38, 1-based): chr13:32,356,608, A>G. VCF-style: chr13-32356608-A-G. GRCh37 (hg19) VCF-style: chr13-32930745-A-G.
Other names: 7844A>G; short protein forms Q2539R.
Identifiers: ClinVar variation 91485 (VCV000091485.32), dbSNP rs144728108, ClinGen allele CA025181.